The following is an entry in ClinVar:

NM_000211.5(ITGB2):c.1835G>T (p.Cys612Phe)

Gene: ITGB2 (integrin subunit beta 2; minus strand). Cytogenetic location: 21q22.3.
Variant type: single nucleotide variant.
Coding change: c.1835G>T on transcript NM_000211.5 (MANE Select); coding-DNA position 1835, G replaced by T.
Protein change: p.Cys612Phe; replaces cysteine 612 with phenylalanine.
Molecular consequence: missense variant.
Genome position (GRCh38, 1-based): chr21:44,889,318, C>A on the plus strand (G>T on the coding strand, the complement: ITGB2 is on the minus strand). VCF-style: chr21-44889318-C-A. GRCh37 (hg19) VCF-style: chr21-46309233-C-A.
Other names: c.1835G>T, p.Cys612Phe (NM_001127491.3); c.1628G>T, p.Cys543Phe (NM_001303238.2); short protein forms C612F, C543F.
Identifiers: ClinVar variation 942948 (VCV000942948.10), dbSNP rs2083749716, ClinGen allele CA410483865.

ClinVar aggregate classification (germline): Likely pathogenic (1 of 4 stars; one submission).

Conditions:
Leukocyte adhesion deficiency 1 (LAD1). Also called: LEUKOCYTE ADHESION DEFICIENCY, TYPE I; LAD 1; Lymphocyte function-associated antigen 1 immunodeficiency; LFA 1 immunodeficiency. Identifiers: Orphanet 2968, Orphanet 99842, MedGen C0398738, MONDO:0007293, OMIM 116920.

Submission:

Labcorp Genetics (formerly Invitae), Labcorp
Classification: Likely pathogenic for Leukocyte adhesion deficiency 1. Last evaluated: 2025-03-31. Review status: criteria provided, single submitter. Criteria: Invitae Variant Classification Sherloc (09022015). Collection method: clinical testing. Allele origin: germline.
Comment: This sequence change replaces cysteine, which is neutral and slightly polar, with phenylalanine, which is neutral and non-polar, at codon 612 of the ITGB2 protein (p.Cys612Phe). This variant is not present in population databases (gnomAD no frequency). This missense change has been observed in individuals with type-1 leukocyte adhesion deficiency (PMID: 25858935). ClinVar contains an entry for this variant (Variation ID: 942948). Invitae Evidence Modeling of protein sequence and biophysical properties (such as structural, functional, and spatial information, amino acid conservation, physicochemical variation, residue mobility, and thermodynamic stability) has been performed for this missense variant. However, the output from this modeling did not meet the statistical confidence thresholds required to predict the impact of this variant on ITGB2 protein function. This variant disrupts the p.Cys612 amino acid residue in ITGB2. Other variant(s) that disrupt this residue have been determined to be pathogenic (PMID: 12377933, 19171538, 25135596). This suggests that this residue is clinically significant, and that variants that disrupt this residue are likely to be disease-causing. In summary, the currently available evidence indicates that the variant is pathogenic, but additional data are needed to prove that conclusively. Therefore, this variant has been classified as Likely Pathogenic.

Literature cited by the submitters: PubMed 25858935; PubMed 12377933; PubMed 19171538; PubMed 25135596.